The following is an entry in ClinVar:

ClinVar aggregate classification (germline): Likely benign. Review status: criteria provided, multiple submitters, no conflicts (2 of 4 stars). 4 submissions from 4 submitters: Likely benign (4). Last evaluated 2025-04-02.

Conditions:
MYO7A-related disorder. Also called: MYO7A-related disorders.

Allele frequency attached by ClinVar (database versions not stated): gnomAD exomes 0.00004 and 0.00008; ExAC 0.00005.
gnomAD v4.1: 114 of 1,596,304 alleles (0.0071%); highest among the groups gnomAD compares: Non-Finnish European, 0.0095%; no homozygotes.

Submissions (4):

PreventionGenetics, part of Exact Sciences
Classification: Likely benign for MYO7A-related condition. Last evaluated: 2025-04-02. Review status: criteria provided, single submitter. Criteria: ACMG Guidelines, 2015. Collection method: clinical testing. Allele origin: germline.
Comment: This variant is classified as likely benign based on ACMG/AMP sequence variant interpretation guidelines (Richards et al. 2015 PMID: 25741868, with internal and published modifications).

Labcorp Genetics (formerly Invitae), Labcorp
Classification: Likely benign. Last evaluated: 2024-05-23. Review status: criteria provided, single submitter. Criteria: Invitae Variant Classification Sherloc (09022015). Collection method: clinical testing. Allele origin: germline.

Blueprint Genetics
Classification: Likely benign. Last evaluated: 2022-09-29. Review status: criteria provided, single submitter. Criteria: ACMG Guidelines, 2015. Collection method: clinical testing. Allele origin: germline.

Laboratory for Molecular Medicine, Mass General Brigham Personalized Medicine
Classification: Likely benign. Last evaluated: 2016-08-23. Review status: criteria provided, single submitter. Criteria: LMM Criteria. Collection method: clinical testing. Allele origin: germline. Observed: 2 variant alleles.
Comment: p.Ile2128Ile in exon 47 of MYO7A: This variant is not expected to have clinical significance because it does not alter an amino acid residue and is not located within the splice consensus sequence. It has been identified in 2/20742 European chromosomes by the Exome Aggregation Consortium (ExAC; dbSNP rs748743374).

NM_000260.4(MYO7A):c.6384C>T (p.Ile2128=)

Gene: MYO7A (myosin VIIA; plus strand). Cytogenetic location: 11q13.5.
Variant type: single nucleotide variant.
Coding change: c.6384C>T on transcript NM_000260.4 (MANE Select); coding-DNA position 6384, C replaced by T.
Protein change: p.Ile2128=; no amino-acid change (isoleucine 2128 retained).
Molecular consequence: synonymous variant.
Genome position (GRCh38, 1-based): chr11:77,212,981, C>T. VCF-style: chr11-77212981-C-T. GRCh37 (hg19) VCF-style: chr11-76924026-C-T.
Other names: c.6264C>T, p.Ile2088= (NM_001127180.2); c.6237C>T, p.Ile2079= (NM_001369365.1).
Identifiers: ClinVar variation 505273 (VCV000505273.14), dbSNP rs748743374, ClinGen allele CA6199055.